The following is an entry in ClinVar:

ClinVar aggregate classification (germline): Uncertain significance (1 of 4 stars; one submission).

gnomAD v4.1: 11 of 1,609,370 alleles (0.00068%); highest among the groups gnomAD compares: African/African-American, 0.0013%; no homozygotes.

Submission:

Labcorp Genetics (formerly Invitae), Labcorp
Classification: Uncertain significance. Last evaluated: 2023-08-10. Review status: criteria provided, single submitter. Criteria: Invitae Variant Classification Sherloc (09022015). Collection method: clinical testing. Allele origin: germline.
Comment: In summary, the available evidence is currently insufficient to determine the role of this variant in disease. Therefore, it has been classified as a Variant of Uncertain Significance. Algorithms developed to predict the effect of missense changes on protein structure and function output the following: SIFT: "Not Available"; PolyPhen-2: "Not Available"; Align-GVGD: "Not Available". The cysteine amino acid residue is found in multiple mammalian species, which suggests that this missense change does not adversely affect protein function. ClinVar contains an entry for this variant (Variation ID: 1944600). This variant has not been reported in the literature in individuals affected with MICU1-related conditions. This variant is not present in population databases (gnomAD no frequency). This sequence change replaces arginine, which is basic and polar, with cysteine, which is neutral and slightly polar, at codon 3 of the MICU1 protein (p.Arg3Cys).

NM_001195518.2(MICU1):c.7C>T (p.Arg3Cys)

Gene: MICU1 (mitochondrial calcium uptake 1; minus strand). Cytogenetic location: 10q22.1.
Variant type: single nucleotide variant.
Coding change: c.7C>T on transcript NM_001195518.2 (MANE Select); coding-DNA position 7, C replaced by T.
Protein change: p.Arg3Cys; replaces arginine 3 with cysteine.
Molecular consequence: missense variant.
Genome position (GRCh38, 1-based): chr10:72,566,787, G>A on the plus strand (C>T on the coding strand, the complement: MICU1 is on the minus strand). VCF-style: chr10-72566787-G-A. GRCh37 (hg19) VCF-style: chr10-74326545-G-A.
Other names: c.7C>T, p.Arg3Cys (NM_001363513.2, NM_006077.4); short protein forms R3C.
Identifiers: ClinVar variation 1944600 (VCV001944600.5), dbSNP rs2495704196, ClinGen allele CA377396127.